The following is an entry in ClinVar:

ClinVar aggregate classification (germline): Likely risk allele (0 of 4 stars; one submission).

Conditions:
Pulmonary fibrosis. Identifiers: MedGen C0034069, MONDO:0002771, HP:0002206.

Submission:

Garcia Pulmonary Genetics Research Laboratory, Columbia University Irving Medical Center
Classification: Likely risk allele for Pulmonary fibrosis. Last evaluated: 2022-06-09. Review status: no assertion criteria provided. Collection method: research. Allele origin: germline. Affected: yes.
Comment: Leukocyte telomere length (by qPCR) less than 10th percentile age-adjusted

NM_198253.3(TERT):c.2621C>G (p.Thr874Arg)

Gene: TERT (telomerase reverse transcriptase; minus strand). Cytogenetic location: 5p15.33.
Variant type: single nucleotide variant.
Coding change: c.2621C>G on transcript NM_198253.3 (MANE Select); coding-DNA position 2621, C replaced by G.
Protein change: p.Thr874Arg; replaces threonine 874 with arginine.
Molecular consequence: missense variant. On other transcripts: non-coding transcript variant (2).
Genome position (GRCh38, 1-based): chr5:1,266,497, G>C on the plus strand (C>G on the coding strand, the complement: TERT is on the minus strand). VCF-style: chr5-1266497-G-C. GRCh37 (hg19) VCF-style: chr5-1266612-G-C.
Other names: p.Thr874Arg; c.2621C>G, p.Thr874Arg (NM_001193376.3); short protein forms T874R.
Identifiers: ClinVar variation 1695947 (VCV001695947.1), dbSNP rs2478165841, ClinGen allele CA359073209.
Genomic context (GRCh38, chr5:1,266,497, plus strand): 5'-CCCACAGACACACGGCACGGGCCTCACCTGAGGAAGGTTTTCGCGTGGGTGAGGTGAGGT[G>C]TCACCAACAAGAAATCATCCACCAAACGCAGGAGCAGCCTAAAATAAGGGAAAATACACA-3'
Protein context (NP_937983.2, residues 864-884): LRLVDDFLLV[Thr874Arg]PHLTHAKTFL